The following is an entry in ClinVar:

ClinVar aggregate classification (germline): Uncertain significance (1 of 4 stars; one submission).

Conditions:
Hereditary breast ovarian cancer syndrome. Also called: BRCA1- and BRCA2-Associated Hereditary Breast and Ovarian Cancer; Breast and ovarian cancer; Hereditary breast and ovarian cancer; Hereditary breast and ovarian cancer syndrome (HBOC); Hereditary breast and ovarian cancer syndrome; Hereditary breast and/or ovarian cancer syndrome. Identifiers: Orphanet 145, MedGen C0677776, MeSH D061325, MONDO:0003582. Disease mechanism: loss of function.

Submission:

Labcorp Genetics (formerly Invitae), Labcorp
Classification: Uncertain significance for Hereditary breast ovarian cancer syndrome. Last evaluated: 2024-04-17. Review status: criteria provided, single submitter. Criteria: Invitae Variant Classification Sherloc (09022015). Collection method: clinical testing. Allele origin: germline.
Comment: This sequence change replaces leucine, which is neutral and non-polar, with proline, which is neutral and non-polar, at codon 3055 of the BRCA2 protein (p.Leu3055Pro). This variant is not present in population databases (gnomAD no frequency). This variant has not been reported in the literature in individuals affected with BRCA2-related conditions. Advanced modeling of protein sequence and biophysical properties (such as structural, functional, and spatial information, amino acid conservation, physicochemical variation, residue mobility, and thermodynamic stability) performed at Invitae indicates that this missense variant is not expected to disrupt BRCA2 protein function with a negative predictive value of 95%. In summary, the available evidence is currently insufficient to determine the role of this variant in disease. Therefore, it has been classified as a Variant of Uncertain Significance.

NM_000059.4(BRCA2):c.9164T>C (p.Leu3055Pro)

Gene: BRCA2 (BRCA2 DNA repair associated; plus strand). Cytogenetic location: 13q13.1.
Variant type: single nucleotide variant.
Coding change: c.9164T>C on transcript NM_000059.4 (MANE Select); coding-DNA position 9164, T replaced by C.
Protein change: p.Leu3055Pro; replaces leucine 3055 with proline.
Molecular consequence: missense variant. On other transcripts: non-coding transcript variant (1).
Genome position (GRCh38, 1-based): chr13:32,380,053, T>C. VCF-style: chr13-32380053-T-C. GRCh37 (hg19) VCF-style: chr13-32954190-T-C.
Other names: c.9068T>C, p.Leu3023Pro (NM_001406719.1); c.9113T>C, p.Leu3038Pro (NM_001406720.1); c.4232T>C, p.Leu1411Pro (NM_001406721.1); c.2747T>C, p.Leu916Pro (NM_001406722.1); c.9164T>C, p.Leu3055Pro (NM_001432077.1); short protein forms L3023P, L3055P, L1411P, L3038P, L916P.
Identifiers: ClinVar variation 3693909 (VCV003693909.2).